The following is an entry in ClinVar:

ClinVar aggregate classification (germline): Uncertain significance. Review status: criteria provided, multiple submitters, no conflicts (2 of 4 stars). 2 submissions from 2 submitters: Uncertain significance (2). Last evaluated 2025-07-27.

Allele frequency attached by ClinVar (database versions not stated): 1000 Genomes Project 30x 0.00016; 1000 Genomes Project 0.00020.
gnomAD v4.1: 11 of 1,614,074 alleles (0.00068%); highest among the groups gnomAD compares: East Asian, 0.02%; no homozygotes.

Submissions (2):

Labcorp Genetics (formerly Invitae), Labcorp
Classification: Uncertain significance. Last evaluated: 2025-07-27. Review status: criteria provided, single submitter. Criteria: Invitae Variant Classification Sherloc (09022015). Collection method: clinical testing. Allele origin: germline.
Comment: This sequence change replaces arginine, which is basic and polar, with proline, which is neutral and non-polar, at codon 420 of the GABRB1 protein (p.Arg420Pro). This variant is present in population databases (rs200129765, gnomAD 0.04%). This variant has not been reported in the literature in individuals affected with GABRB1-related conditions. ClinVar contains an entry for this variant (Variation ID: 2491032). Invitae Evidence Modeling of protein sequence and biophysical properties (such as structural, functional, and spatial information, amino acid conservation, physicochemical variation, residue mobility, and thermodynamic stability) indicates that this missense variant is not expected to disrupt GABRB1 protein function with a negative predictive value of 80%. In summary, the available evidence is currently insufficient to determine the role of this variant in disease. Therefore, it has been classified as a Variant of Uncertain Significance.

Ambry Genetics
Classification: Uncertain significance. Last evaluated: 2023-02-28. Review status: criteria provided, single submitter. Criteria: Ambry Variant Classification Scheme 2023. Collection method: clinical testing. Allele origin: germline.

NM_000812.4(GABRB1):c.1259G>C (p.Arg420Pro)

Gene: GABRB1 (gamma-aminobutyric acid type A receptor subunit beta1; plus strand). Cytogenetic location: 4p12.
Variant type: single nucleotide variant.
Coding change: c.1259G>C on transcript NM_000812.4 (MANE Select); coding-DNA position 1259, G replaced by C.
Protein change: p.Arg420Pro; replaces arginine 420 with proline.
Molecular consequence: missense variant.
Genome position (GRCh38, 1-based): chr4:47,425,852, G>C. VCF-style: chr4-47425852-G-C. GRCh37 (hg19) VCF-style: chr4-47427869-G-C.
Other names: short protein forms R420P.
Identifiers: ClinVar variation 2491032 (VCV002491032.3), dbSNP rs200129765, ClinGen allele CA2907791.
Genomic context (GRCh38, chr4:47,425,852, plus strand): 5'-CCAGCATCCAGTACCGCAAGCCCCTGAGCAGCCGCGAGGCCTACGGGCGCGCCCTGGACC[G>C]GCACGGGGTACCCAGCAAGGGGCGCATCCGCAGGCGTGCCTCCCAGCTCAAAGTCAAGAT-3'
Protein context (NP_000803.2, residues 410-430): SREAYGRALD[Arg420Pro]HGVPSKGRIR